The following is an entry in ClinVar:

ClinVar aggregate classification (germline): Uncertain significance. Review status: criteria provided, multiple submitters, no conflicts (2 of 4 stars). 2 submissions from 2 submitters: Uncertain significance (2). Last evaluated 2025-09-01.

Allele frequency attached by ClinVar (database versions not stated): TOPMed below 0.00001; ExAC 0.00001; gnomAD exomes 0.00002.

Submissions (2):

Ambry Genetics
Classification: Uncertain significance. Last evaluated: 2025-09-01. Review status: criteria provided, single submitter. Criteria: Ambry Variant Classification Scheme 2023. Collection method: clinical testing. Allele origin: germline.

Labcorp Genetics (formerly Invitae), Labcorp
Classification: Uncertain significance. Last evaluated: 2022-07-12. Review status: criteria provided, single submitter. Criteria: Invitae Variant Classification Sherloc (09022015). Collection method: clinical testing. Allele origin: germline.
Comment: This variant has not been reported in the literature in individuals affected with ZNF687-related conditions. In summary, the available evidence is currently insufficient to determine the role of this variant in disease. Therefore, it has been classified as a Variant of Uncertain Significance. Algorithms developed to predict the effect of missense changes on protein structure and function (SIFT, PolyPhen-2, Align-GVGD) all suggest that this variant is likely to be tolerated. This variant is present in population databases (rs754592087, gnomAD 0.002%). This sequence change replaces valine, which is neutral and non-polar, with isoleucine, which is neutral and non-polar, at codon 112 of the ZNF687 protein (p.Val112Ile).

NM_020832.3(ZNF687):c.334G>A (p.Val112Ile)

Gene: ZNF687 (zinc finger protein 687; plus strand). Cytogenetic location: 1q21.3.
Variant type: single nucleotide variant.
Coding change: c.334G>A on transcript NM_020832.3 (MANE Select); coding-DNA position 334, G replaced by A.
Protein change: p.Val112Ile; replaces valine 112 with isoleucine.
Molecular consequence: missense variant.
Genome position (GRCh38, 1-based): chr1:151,286,625, G>A. VCF-style: chr1-151286625-G-A. GRCh37 (hg19) VCF-style: chr1-151259101-G-A.
Other names: c.334G>A, p.Val112Ile (NM_001304763.2, NM_001304764.2); c.334G>A (NM_020832.1); short protein forms V112I.
Identifiers: ClinVar variation 1903787 (VCV001903787.6), dbSNP rs754592087, ClinGen allele CA1088142.